The following is an entry in ClinVar:

ClinVar aggregate classification (germline): Pathogenic. Review status: criteria provided, multiple submitters, no conflicts (2 of 4 stars). 3 submissions from 3 submitters: Pathogenic (3). Last evaluated 2024-12-10.

Conditions:
Netherton syndrome (NETH). Also called: ERYTHRODERMA, ICHTHYOSIFORM, WITH HYPOTRICHOSIS AND HYPER-IgE; COMEL-NETHERTON SYNDROME; NETHERTON DISEASE. Identifiers: Orphanet 634, MedGen C5574950, MONDO:0009735, OMIM 256500.
SPINK5-related disorder. Also called: SPINK5-related condition.

Allele frequency attached by ClinVar (database versions not stated): ExAC 0.00001; gnomAD 0.00001; gnomAD exomes 0.00001; ESP Exome Variant Server 0.00017.
gnomAD v4.1: 18 of 1,610,492 alleles (0.0011%); highest among the groups gnomAD compares: Non-Finnish European, 0.0015%; no homozygotes.

Submissions (3):

PreventionGenetics, part of Exact Sciences
Classification: Pathogenic for SPINK5-related condition. Last evaluated: 2024-12-10. Review status: criteria provided, single submitter. Criteria: ACMG Guidelines, 2015. Collection method: clinical testing. Allele origin: germline.
Comment: The SPINK5 c.410+1G>A variant is predicted to disrupt the GT donor site and interfere with normal splicing. This variant was reported in individuals with Netherton syndrome or SPINK5-related conditions (Renner et al. 2009. PubMed ID: 19683336; Table S1, Suspitsin et al. 2020. PubMed ID: 32441320; Table S2, Gorukmez et al. 2023. PubMed ID: 36964972). This variant is reported in 0.0051% of alleles in individuals of East Asian descent in gnomAD. Variants that disrupt the consensus splice donor site in SPINK5 are expected to be pathogenic. This variant is interpreted as pathogenic.

GeneDx
Classification: Pathogenic. Last evaluated: 2023-07-25. Review status: criteria provided, single submitter. Criteria: GeneDx Variant Classification Process June 2021. Collection method: clinical testing. Allele origin: germline. Affected: yes.
Comment: Canonical splice site variant predicted to result in a null allele in a gene for which loss-of-function is a known mechanism of disease; This variant is associated with the following publications: (PMID: 25525159, 32441320, 33534181, Nerakh2022[Case report], 22089833, 19683336, 33890311)

Juno Genomics, Hangzhou Juno Genomics, Inc
Classification: Pathogenic for Netherton syndrome. Review status: criteria provided, single submitter. Criteria: ACMG Guidelines, 2015. Collection method: clinical testing. Allele origin: germline. Affected: yes.
Comment: Absent from controls (or at extremely low frequency if recessive) in Genome Aggregation Database, Exome Sequencing Project, 1000 Genomes Project, or Exome Aggregation Consortium.;Null variant in a gene where loss of function (LOF) is a known mechanism of disease.;For recessive disorders, detected in trans with a pathogenic variant.

NM_006846.4(SPINK5):c.410+1G>A

Gene: SPINK5 (serine peptidase inhibitor Kazal type 5; plus strand). Cytogenetic location: 5q32.
Variant type: single nucleotide variant.
Coding change: c.410+1G>A on transcript NM_006846.4 (MANE Select); the canonical splice donor site of the intron after coding-DNA position 410, G replaced by A.
Molecular consequence: splice donor variant.
Genome position (GRCh38, 1-based): chr5:148,086,533, G>A. VCF-style: chr5-148086533-G-A. GRCh37 (hg19) VCF-style: chr5-147466096-G-A.
Other names: c.410+1G>A (NM_001127698.2, NM_001127699.2, NM_006846.3).
Identifiers: ClinVar variation 1254561 (VCV001254561.8), dbSNP rs375224787, ClinGen allele CA3495192.